The following is an entry in ClinVar:

ClinVar aggregate classification (germline): Pathogenic (1 of 4 stars; one submission).

Submission:

Labcorp Genetics (formerly Invitae), Labcorp
Classification: Pathogenic. Last evaluated: 2023-09-29. Review status: criteria provided, single submitter. Criteria: Invitae Variant Classification Sherloc (09022015). Collection method: clinical testing. Allele origin: germline.
Comment: This sequence change creates a premature translational stop signal (p.Gly715Aspfs*24) in the ERCC6 gene. It is expected to result in an absent or disrupted protein product. Loss-of-function variants in ERCC6 are known to be pathogenic (PMID: 18628313, 29572252). This variant is not present in population databases (gnomAD no frequency). This premature translational stop signal has been observed in individual(s) with clinical features of Cockayne syndrome (PMID: 9443879, 32005694). This variant is also known as -G 2223 (715→738stop). ClinVar contains an entry for this variant (Variation ID: 2136860). For these reasons, this variant has been classified as Pathogenic.

Literature cited by the submitters: PubMed 18628313; PubMed 29572252; PubMed 9443879; PubMed 32005694.

NM_000124.4(ERCC6):c.2144del (p.Gly715fs)

Gene: ERCC6 (ERCC excision repair 6, chromatin remodeling factor; minus strand). Cytogenetic location: 10q11.23.
Variant type: Deletion.
Coding change: c.2144del on transcript NM_000124.4 (MANE Select); coding-DNA position 2144, one base deleted (G; older notation c.2144delG).
Protein change: p.Gly715fs; shifts the reading frame from glycine 715.
Molecular consequence: frameshift variant.
Genome position (GRCh38, 1-based): chr10:49,482,712, C deleted on the plus strand (G on the coding strand, the reverse complement: ERCC6 is on the minus strand); the first of 6 consecutive C bases (chr10:49,482,712-49,482,717); deleting any one gives the same sequence. VCF-style (leftmost placement, unchanged base first): chr10-49482711-TC-T. GRCh37 (hg19) VCF-style: chr10-50690757-TC-T.
Other names: c.2144del, p.Gly715fs (NM_001346440.2); short protein forms G715fs.
Identifiers: ClinVar variation 2136860 (VCV002136860.4), dbSNP rs1851000838, ClinGen allele CA1908760168.